The following is an entry in ClinVar:

ClinVar aggregate classification (germline): Uncertain significance (1 of 4 stars; one submission).

Conditions:
Gnathodiaphyseal dysplasia (GDD). Also called: GNATHODIAPHYSEAL SCLEROSIS; OSTEOGENESIS IMPERFECTA WITH UNUSUAL SKELETAL LESIONS. Identifiers: Orphanet 53697, MedGen C1833736, MONDO:0008151, OMIM 166260.
Autosomal recessive limb-girdle muscular dystrophy type 2L (LGMDR12). Also called: Limb-girdle muscular dystrophy, type 2L; MUSCULAR DYSTROPHY, LIMB-GIRDLE, AUTOSOMAL RECESSIVE 12; Limb-Girdle Muscular Dystrophy R12 Anoctamin-5-Related (LGMD-R12). Identifiers: Orphanet 206549, MedGen C1969785, MONDO:0012652, OMIM 611307.

Allele frequency attached by ClinVar (database versions not stated): gnomAD exomes below 0.00001; TOPMed below 0.00001; gnomAD 0.00001.
gnomAD v4.1: 3 of 1,609,262 alleles (0.00019%); highest among the groups gnomAD compares: Non-Finnish European, 0.00017%; no homozygotes.

Submission:

Labcorp Genetics (formerly Invitae), Labcorp
Classification: Uncertain significance for Autosomal recessive limb-girdle muscular dystrophy type 2L; Gnathodiaphyseal dysplasia. Last evaluated: 2024-12-23. Review status: criteria provided, single submitter. Criteria: Invitae Variant Classification Sherloc (09022015). Collection method: clinical testing. Allele origin: germline.
Comment: This sequence change replaces valine, which is neutral and non-polar, with isoleucine, which is neutral and non-polar, at codon 842 of the ANO5 protein (p.Val842Ile). This variant is not present in population databases (gnomAD no frequency). This variant has not been reported in the literature in individuals affected with ANO5-related conditions. ClinVar contains an entry for this variant (Variation ID: 2932423). Invitae Evidence Modeling of protein sequence and biophysical properties (such as structural, functional, and spatial information, amino acid conservation, physicochemical variation, residue mobility, and thermodynamic stability) indicates that this missense variant is not expected to disrupt ANO5 protein function with a negative predictive value of 80%. In summary, the available evidence is currently insufficient to determine the role of this variant in disease. Therefore, it has been classified as a Variant of Uncertain Significance.

NM_213599.3(ANO5):c.2524G>A (p.Val842Ile)

Gene: ANO5 (anoctamin 5; plus strand). Cytogenetic location: 11p14.3.
Variant type: single nucleotide variant.
Coding change: c.2524G>A on transcript NM_213599.3 (MANE Select); coding-DNA position 2524, G replaced by A.
Protein change: p.Val842Ile; replaces valine 842 with isoleucine.
Molecular consequence: missense variant.
Genome position (GRCh38, 1-based): chr11:22,279,547, G>A. VCF-style: chr11-22279547-G-A. GRCh37 (hg19) VCF-style: chr11-22301093-G-A.
Other names: c.2521G>A, p.Val841Ile (NM_001142649.2); c.2482G>A, p.Val828Ile (NM_001410963.1); c.2479G>A, p.Val827Ile (NM_001410964.1); short protein forms V841I, V828I, V827I, V842I.
Identifiers: ClinVar variation 2932423 (VCV002932423.2), dbSNP rs922612820, ClinGen allele CA218779504.